The following is an entry in ClinVar:

NM_020975.6(RET):c.1986G>A (p.Lys662=)

Gene: RET (ret proto-oncogene; plus strand). Cytogenetic location: 10q11.21.
Variant type: single nucleotide variant.
Coding change: c.1986G>A on transcript NM_020975.6 (MANE Select); coding-DNA position 1986, G replaced by A.
Protein change: p.Lys662=; no amino-acid change (lysine 662 retained).
Molecular consequence: synonymous variant. On other transcripts: intron variant (4).
Genome position (GRCh38, 1-based): chr10:43,114,586, G>A. VCF-style: chr10-43114586-G-A. GRCh37 (hg19) VCF-style: chr10-43610034-G-A.
Other names: c.1986G>A, p.Lys662= (NM_000323.2, NM_001406743.1, NM_001406744.1 and 4 more transcripts); c.1224G>A, p.Lys408= (NM_001355216.2); c.1857G>A, p.Lys619= (NM_001406761.1, NM_001406762.1, NM_001406764.1); c.1698G>A, p.Lys566= (NM_001406766.1, NM_001406767.1, NM_001406770.1); c.1590G>A, p.Lys530= (NM_001406769.1, NM_001406772.1); c.1548G>A, p.Lys516= (NM_001406771.1, NM_001406773.1); c.1461G>A, p.Lys487= (NM_001406774.1); c.1260G>A, p.Lys420= (NM_001406775.1, NM_001406776.1, NM_001406777.1 and 1 more transcripts); and 10 more.
Identifiers: ClinVar variation 1537924 (VCV001537924.11), dbSNP rs1295196408, ClinGen allele CA469479795.
Genomic context (GRCh38, chr10:43,114,586, plus strand): 5'-CCTCTTCTCCTTCATCGTCTCGGTGCTGCTGTCTGCCTTCTGCATCCACTGCTACCACAA[G>A]TTTGCCCACAAGCCACCCATCTCCTCAGCTGAGATGACCTTCCGGAGGCCCGCCCAGGCC-3'
Protein context (NP_066124.1, residues 652-672): LSAFCIHCYH[Lys662=]FAHKPPISSA

ClinVar aggregate classification (germline): Benign/Likely benign. Review status: criteria provided, multiple submitters, no conflicts (2 of 4 stars). 3 submissions from 3 submitters: Benign (1); Likely benign (2). Last evaluated 2025-02-26.

Conditions:
Multiple endocrine neoplasia, type 2 (MEN2). Identifiers: Orphanet 653, MedGen C4048306, MONDO:0019003. Disease mechanism: gain of function.
Multiple endocrine neoplasia type 2A. Also called: Multiple Endocrine Neoplasia Type 2A (MEN2A); MULTIPLE ENDOCRINE NEOPLASIA, TYPE IIA; PTC SYNDROME; SIPPLE SYNDROME; MEN 2A; MEN-2A syndrome. Identifiers: Orphanet 247698, Orphanet 653, MedGen C0025268, MeSH D018813, MONDO:0008234, OMIM 171400.

Allele frequency attached by ClinVar (database versions not stated): gnomAD exomes below 0.00001; gnomAD 0.00001.
gnomAD v4.1: 2 of 1,612,586 alleles (0.00012%); highest among the groups gnomAD compares: Admixed American, 0.0017%; no homozygotes.

Submissions (3):

Myriad Genetics, Inc.
Classification: Benign for Multiple endocrine neoplasia type 2A. Last evaluated: 2025-02-26. Review status: criteria provided, single submitter. Criteria: Myriad Autosomal Dominant, Autosomal Recessive and X-Linked Classification Criteria (2023). Collection method: clinical testing. Allele origin: unknown.
Comment: This variant is considered benign. This variant is a silent/synonymous amino acid change and it is not expected to impact splicing.

All of Us Research Program, National Institutes of Health
Classification: Likely benign for Multiple endocrine neoplasia, type 2. Last evaluated: 2023-10-06. Review status: criteria provided, single submitter. Criteria: ACMG Guidelines, 2015. Collection method: clinical testing. Allele origin: germline. Inheritance: Autosomal dominant inheritance. Observed: 1 variant allele, 1 heterozygote.
Comment: This study involves interpretation of variants in research participants for the purpose of population health screening. Participant phenotype was not available at the time of variant classification. Additional details can be found in publication PMID: 35346344, PMCID: PMC8962531

Labcorp Genetics (formerly Invitae), Labcorp
Classification: Likely benign for Multiple endocrine neoplasia, type 2. Last evaluated: 2021-10-03. Review status: criteria provided, single submitter. Criteria: Invitae Variant Classification Sherloc (09022015). Collection method: clinical testing. Allele origin: germline.